The following is an entry in ClinVar:

NM_020436.5(SALL4):c.454G>C (p.Val152Leu)

Gene: SALL4 (spalt like transcription factor 4; minus strand). Cytogenetic location: 20q13.2.
Variant type: single nucleotide variant.
Coding change: c.454G>C on transcript NM_020436.5 (MANE Select); coding-DNA position 454, G replaced by C.
Protein change: p.Val152Leu; replaces valine 152 with leucine.
Molecular consequence: missense variant.
Genome position (GRCh38, 1-based): chr20:51,792,029, C>G on the plus strand (G>C on the coding strand, the complement: SALL4 is on the minus strand). VCF-style: chr20-51792029-C-G. GRCh37 (hg19) VCF-style: chr20-50408568-C-G.
Other names: c.454G>C, p.Val152Leu (NM_001318031.2); short protein forms V152L.
Identifiers: ClinVar variation 4808691 (VCV004808691.1).

ClinVar aggregate classification (germline): Uncertain significance (1 of 4 stars; one submission).

Conditions:
Duane-radial ray syndrome (DRRS). Also called: ACRORENOOCULAR SYNDROME; DR SYNDROME; DUANE ANOMALY WITH RADIAL RAY ABNORMALITIES AND DEAFNESS; Okihiro Syndrome; Duane-Radial Ray Syndrome/Okihiro Syndrome; Duane-Radial Ray Syndrome (DRRS) / Okihiro Syndrome. Identifiers: Orphanet 93293, Orphanet 959, MedGen C1623209, MONDO:0011812, OMIM 607323. Disease mechanism: gain of function.

Submission:

Labcorp Genetics (formerly Invitae), Labcorp
Classification: Uncertain significance for Duane-radial ray syndrome. Last evaluated: 2025-05-22. Review status: criteria provided, single submitter. Criteria: Invitae Variant Classification Sherloc (09022015). Collection method: clinical testing. Allele origin: germline.
Comment: This sequence change replaces valine, which is neutral and non-polar, with leucine, which is neutral and non-polar, at codon 152 of the SALL4 protein (p.Val152Leu). This variant is present in population databases (rs752283056, gnomAD 0.002%). This variant has not been reported in the literature in individuals affected with SALL4-related conditions. An algorithm developed to predict the effect of missense changes on protein structure and function (PolyPhen-2) suggests that this variant is likely to be tolerated. In summary, the available evidence is currently insufficient to determine the role of this variant in disease. Therefore, it has been classified as a Variant of Uncertain Significance.